The following is an entry in ClinVar:

NM_004770.3(KCNB2):c.1141A>G (p.Thr381Ala)

Gene: KCNB2 (potassium voltage-gated channel subfamily B member 2; plus strand). Cytogenetic location: 8q21.11.
Variant type: single nucleotide variant.
Coding change: c.1141A>G on transcript NM_004770.3 (MANE Select); coding-DNA position 1141, A replaced by G.
Protein change: p.Thr381Ala; replaces threonine 381 with alanine.
Molecular consequence: missense variant.
Genome position (GRCh38, 1-based): chr8:72,936,496, A>G. VCF-style: chr8-72936496-A-G. GRCh37 (hg19) VCF-style: chr8-73848731-A-G.
Other names: short protein forms T381A.
Identifiers: ClinVar variation 4680923 (VCV004680923.2).

ClinVar aggregate classification (germline): Likely pathogenic. Review status: criteria provided, multiple submitters, no conflicts (2 of 4 stars). 2 submissions from 2 submitters: Likely pathogenic (2). Last evaluated 2025-12-08.

Conditions:
KCNB2-related disorder. Also called: KCNB2-related condition.

Submissions (2):

3billion
Classification: Likely pathogenic for KCNB2-related disorder. Last evaluated: 2025-12-08. Review status: criteria provided, single submitter. Criteria: ACMG Guidelines, 2015. Collection method: clinical testing. Allele origin: germline. Affected: yes.
Comment: The variant is not observed in the gnomAD v4.1.0 dataset. Predicted Consequence/Location: Missense variant Functional studies provide moderate evidence of the variant having a damaging effect on the gene or gene product (PMID: 38503299). In silico tool predictions suggest damaging effect of the variant on gene or gene product [REVEL: 0.97 (>=0.6, sensitivity 0.68 and specificity 0.92); 3Cnet: 0.98 (> 0.75, sensitivity 0.96 and precision 0.92)]. The same nucleotide change resulting in the same amino acid change has been previously reported to be associated with KCNB2-related disorder (PMID: 38503299). The variant has been previously reported as de novo in a similarly affected individual (PMID: 38503299). Therefore, this variant is classified as Likely pathogenic according to the recommendation of ACMG/AMP guideline.

GeneDx
Classification: Likely pathogenic. Last evaluated: 2025-06-30. Review status: criteria provided, single submitter. Criteria: GeneDx Variant Classification Process June 2021. Collection method: clinical testing. Allele origin: germline. Affected: yes.
Comment: Not observed at significant frequency in large population cohorts (gnomAD); In silico analysis supports that this missense variant has a deleterious effect on protein structure/function; This variant is associated with the following publications: (PMID: 38503299)

Literature cited by the submitters: PubMed 38503299 (cited by 3billion).